The following is an entry in ClinVar:

NM_006834.5(RAB32):c.332G>C (p.Ser111Thr)

Gene: RAB32 (RAB32, member RAS oncogene family; plus strand). Cytogenetic location: 6q24.3.
Variant type: single nucleotide variant.
Coding change: c.332G>C on transcript NM_006834.5 (MANE Select); coding-DNA position 332, G replaced by C.
Protein change: p.Ser111Thr; replaces serine 111 with threonine.
Molecular consequence: missense variant.
Genome position (GRCh38, 1-based): chr6:146,549,545, G>C. VCF-style: chr6-146549545-G-C. GRCh37 (hg19) VCF-style: chr6-146870681-G-C.
Other names: short protein forms S111T.
Identifiers: ClinVar variation 4681923 (VCV004681923.5).
Genomic context (GRCh38, chr6:146,549,545, plus strand): 5'-TGACCCGAGTATACTACAAGGAAGCTGTTGGTGCTTTTGTAGTCTTTGATATATCAAGAA[G>C]TTCCACATTTGAGGCAGTCTTAAAATGGAAAAGTGATCTGGATAGTAAAGTTCATCTTCC-3'
Protein context (NP_006825.1, residues 101-121): GAFVVFDISR[Ser111Thr]STFEAVLKWK

ClinVar aggregate classification (germline): Uncertain significance (1 of 4 stars; one submission).

Submission:

CeGaT Center for Human Genetics Tuebingen
Classification: Uncertain significance. Last evaluated: 2025-12-01. Review status: criteria provided, single submitter. Criteria: CeGaT Center For Human Genetics Tuebingen Variant Classification Criteria Version 2. Collection method: clinical testing. Allele origin: germline. Affected: yes. Observed: 1 variant allele.
Comment: RAB32: PM2, BP4